The following is an entry in ClinVar:

NM_006852.6(TLK2):c.2144delinsACTTGTTGCCTCACATCAACCAGCAGCAGGC (p.Cys715delinsTyrLeuLeuProHisIleAsnGlnGlnGlnAla)

Gene: TLK2 (tousled like kinase 2; plus strand). Cytogenetic location: 17q23.2.
Variant type: Indel.
Coding change: c.2144delinsACTTGTTGCCTCACATCAACCAGCAGCAGGC on transcript NM_006852.6 (MANE Select); coding-DNA position 2144, the reference bases replaced by an inserted sequence.
Protein change: p.Cys715delinsTyrLeuLeuProHisIleAsnGlnGlnGlnAla.
Molecular consequence: inframe indel.
Genome position (GRCh38, 1-based): chr17:62,612,456, one base replaced. VCF-style: chr17-62612456-G-ACTTGTTGCCTCACATCAACCAGCAGCAGGC. GRCh37 (hg19) VCF-style: chr17-60689817-G-ACTTGTTGCCTCACATCAACCAGCAGCAGGC.
Other names: c.2210delinsACTTGTTGCCTCACATCAACCAGCAGCAGGC, p.Cys737delinsTyrLeuLeuProHisIleAsnGlnGlnGlnAla (NM_001284333.3); c.2048delinsACTTGTTGCCTCACATCAACCAGCAGCAGGC, p.Cys683delinsTyrLeuLeuProHisIleAsnGlnGlnGlnAla (NM_001284363.1, NM_001375272.1); c.1697delinsACTTGTTGCCTCACATCAACCAGCAGCAGGC, p.Cys566delinsTyrLeuLeuProHisIleAsnGlnGlnGlnAla (NM_001330418.3, NM_001375273.1); c.2186delinsACTTGTTGCCTCACATCAACCAGCAGCAGGC, p.Cys729delinsTyrLeuLeuProHisIleAsnGlnGlnGlnAla (NM_001375269.1); c.2144delinsACTTGTTGCCTCACATCAACCAGCAGCAGGC, p.Cys715delinsTyrLeuLeuProHisIleAsnGlnGlnGlnAla (NM_001375270.1, NM_001375271.1); c.1859delinsACTTGTTGCCTCACATCAACCAGCAGCAGGC, p.Cys620delinsTyrLeuLeuProHisIleAsnGlnGlnGlnAla (NM_001411074.1).
Identifiers: ClinVar variation 3346895 (VCV003346895.1).

ClinVar aggregate classification (germline): Uncertain significance (0 of 4 stars; one submission).

Conditions:
TLK2-related disorder. Also called: TLK2-related condition.

Submission:

PreventionGenetics, part of Exact Sciences
Classification: Uncertain significance for TLK2-related condition. Last evaluated: 2024-09-20. Review status: no assertion criteria provided. Collection method: clinical testing. Allele origin: germline.
Comment: The TLK2 c.2210delinsACTTGTTGCCTCACATCAACCAGCAGCAGGC variant is predicted to result in an in-frame deletion and insertion. To our knowledge, this variant has not been reported in the literature or in a large population database, indicating this variant is rare. At this time, the clinical significance of this variant is uncertain due to the absence of conclusive functional and genetic evidence.